The following is an entry in ClinVar:

ClinVar aggregate classification (germline): Likely pathogenic (1 of 4 stars; one submission).

Conditions:
Arrhythmogenic right ventricular dysplasia 9 (ARVD9). Also called: Arrhythmogenic Right Ventricular Dysplasia/Cardiomyopathy 9; ARRHYTHMOGENIC RIGHT VENTRICULAR DYSPLASIA, FAMILIAL, 9. Identifiers: MedGen C1836906, MONDO:0012180, OMIM 609040.

Submission:

Broad Center for Mendelian Genomics, Broad Institute of MIT and Harvard
Classification: Likely pathogenic for Arrhythmogenic right ventricular dysplasia 9. Last evaluated: 2023-01-25. Review status: criteria provided, single submitter. Criteria: ACMG Guidelines, 2015. Collection method: curation. Allele origin: germline. Inheritance: Autosomal recessive inheritance.
Comment: The p.Ala113GlyfsTer8 variant in PKP2 has not been previously reported in individuals with arrhythmogenic right ventricular dysplasia 9. This variant was absent from large population studies. This variant is predicted to cause a frameshift, which alters the protein‚Äôs amino acid sequence beginning at position 113 and leads to a premature termination codon 8 amino acids downstream. This alteration is then predicted to lead to a truncated or absent protein. Loss of function of the PKP2 gene is strongly associated to autosomal recessive arrhythmogenic right ventricular dysplasia 9. In summary, although additional studies are required to fully establish its clinical significance, this variant is likely pathogenic for autosomal recessive arrhythmogenic right ventricular dysplasia 9. ACMG/AMP Criteria applied: PVS1_Strong, PM2_Supporting, PM3_Supporting (Richards 2015).

NM_001005242.3(PKP2):c.335dup (p.Ala113fs)

Gene: PKP2 (plakophilin 2; minus strand). Cytogenetic location: 12p11.21.
Variant type: Duplication.
Coding change: c.335dup on transcript NM_001005242.3 (MANE Select); coding-DNA position 335, one base duplicated (A; older notation c.335dupA).
Protein change: p.Ala113fs; shifts the reading frame from alanine 113.
Molecular consequence: frameshift variant.
Genome position (GRCh38, 1-based): chr12:32,878,921, T duplicated on the plus strand (A on the coding strand, the reverse complement: PKP2 is on the minus strand); the first of 3 consecutive T bases (chr12:32,878,921-32,878,923); duplicating any one gives the same sequence. VCF-style (leftmost placement, unchanged base first): chr12-32878920-C-CT. GRCh37 (hg19) VCF-style: chr12-33031854-C-CT.
Other names: NM_004572.4:c.335dup; c.333dup, p.Ala113Glyfs (NM_001407155.1, NM_001407156.1, NM_001407157.1 and 1 more transcripts); c.6dup, p.Ala4Glyfs (NM_001407158.1, NM_001407159.1, NM_001407160.1 and 1 more transcripts); c.335dup, p.Ala113fs (NM_004572.4); short protein forms A113fs.
Identifiers: ClinVar variation 2412725 (VCV002412725.1), dbSNP rs2541344386, ClinGen allele CA2573332455.